The following is an entry in ClinVar:

NM_022336.4(EDAR):c.*999C>T

Genes: EDAR (ectodysplasin A receptor; minus strand), RANBP2 (RAN binding protein 2; plus strand). Cytogenetic location: 2q13.
Variant type: single nucleotide variant.
Coding change: c.*999C>T on transcript NM_022336.4 (MANE Select); 999 bases downstream of the stop codon, C replaced by T.
Molecular consequence: 3 prime UTR variant.
Genome position (GRCh38, 1-based): chr2:108,895,908, G>A on the plus strand (C>T on the coding strand, the complement: EDAR is on the minus strand). VCF-style: chr2-108895908-G-A. GRCh37 (hg19) VCF-style: chr2-109512364-G-A.
Identifiers: ClinVar variation 330696 (VCV000330696.6), dbSNP rs10206737, ClinGen allele CA10610562.
Genomic context (GRCh38, chr2:108,895,908, plus strand): 5'-ACTCTCATGCCATGAGGCTAATCCACAAGTCTTAGATGCTCTTGAAATCTAGAATTATGC[G>A]TGGCTGAACTCTTAGGAAGTCATCATTTCTCTAATTACAGCTGACTACTCATACATGTTT-3'

ClinVar aggregate classification (germline): Benign (1 of 4 stars; one submission).

Conditions:
Hypohidrotic ectodermal dysplasia (HED). Identifiers: Orphanet 238468, MedGen C5848103, MONDO:0016535, HP:0007607.

Allele frequency attached by ClinVar (database versions not stated): 1000 Genomes Project 0.02236; gnomAD 0.02037 and 0.01894; 1000 Genomes Project 30x 0.02327; TOPMed 0.02108.

Submission:

Illumina Laboratory Services, Illumina
Classification: Benign for Hypohidrotic ectodermal dysplasia. Last evaluated: 2018-01-13. Review status: criteria provided, single submitter. Criteria: ICSL Variant Classification Criteria 13 December 2019. Collection method: clinical testing. Allele origin: germline.
Comment: This variant was observed in the ICSL laboratory as part of a predisposition screen in an ostensibly healthy population. It had not been previously curated by ICSL or reported in the Human Gene Mutation Database (HGMD: prior to June 1st, 2018), and was therefore a candidate for classification through an automated scoring system. Utilizing variant allele frequency, disease prevalence and penetrance estimates, and inheritance mode, an automated score was calculated to assess if this variant is too frequent to cause the disease. Based on the score and internal cut-off values, a variant classified as benign is not then subjected to further curation. The score for this variant resulted in a classification of benign for this disease.